The following is an entry in ClinVar:

NM_152416.4(NDUFAF6):c.553C>T (p.Leu185Phe)

Gene: NDUFAF6 (NADH:ubiquinone oxidoreductase complex assembly factor 6; plus strand). Cytogenetic location: 8q22.1.
Variant type: single nucleotide variant.
Coding change: c.553C>T on transcript NM_152416.4 (MANE Select); coding-DNA position 553, C replaced by T.
Protein change: p.Leu185Phe; replaces leucine 185 with phenylalanine.
Molecular consequence: missense variant. On other transcripts: non-coding transcript variant (6).
Genome position (GRCh38, 1-based): chr8:95,045,620, C>T. VCF-style: chr8-95045620-C-T. GRCh37 (hg19) VCF-style: chr8-96057848-C-T.
Other names: c.277C>T, p.Leu93Phe (NM_001330582.2, NM_001354514.2, NM_001354515.2 and 1 more transcripts); c.397C>T, p.Leu133Phe (NM_001354516.2); c.220C>T, p.Leu74Phe (NM_001354517.2, NM_001354518.2, NM_001354519.2 and 1 more transcripts); c.97C>T, p.Leu33Phe (NM_001354522.2, NM_001354524.2, NM_001354525.2 and 7 more transcripts); c.553C>T (NM_152416.2); short protein forms L133F, L74F, L93F, L185F, L33F.
Identifiers: ClinVar variation 2040258 (VCV002040258.5), dbSNP rs967513162, ClinGen allele CA181476783.
Genomic context (GRCh38, chr8:95,045,620, plus strand): 5'-GACAAAGCATATCGTAATATCAAGGAACTGGAAAATTATGCTGAAAACACACAGAGCTCT[C>T]TTCTTTACTTAACACTAGAAATATTGGGTAAGTTGTTTTTCTGTTTCATACTTCTTTTTT-3'
Protein context (NP_689629.2, residues 175-195): ENYAENTQSS[Leu185Phe]LYLTLEILGI

ClinVar aggregate classification (germline): Uncertain significance. Review status: criteria provided, multiple submitters, no conflicts (2 of 4 stars). 2 submissions from 2 submitters: Uncertain significance (2). Last evaluated 2025-08-06.

Conditions:
Inborn genetic diseases. Identifiers: MedGen C0950123, MeSH D030342.

gnomAD v4.1: 2 of 1,613,050 alleles (0.00012%); no homozygotes.

Submissions (2):

Ambry Genetics
Classification: Uncertain significance for Inborn genetic diseases. Last evaluated: 2025-08-06. Review status: criteria provided, single submitter. Criteria: Ambry Variant Classification Scheme 2023. Collection method: clinical testing. Allele origin: germline.

Labcorp Genetics (formerly Invitae), Labcorp
Classification: Uncertain significance. Last evaluated: 2024-11-11. Review status: criteria provided, single submitter. Criteria: Invitae Variant Classification Sherloc (09022015). Collection method: clinical testing. Allele origin: germline.
Comment: This sequence change replaces leucine, which is neutral and non-polar, with phenylalanine, which is neutral and non-polar, at codon 185 of the NDUFAF6 protein (p.Leu185Phe). This variant is not present in population databases (gnomAD no frequency). This variant has not been reported in the literature in individuals affected with NDUFAF6-related conditions. ClinVar contains an entry for this variant (Variation ID: 2040258). Invitae Evidence Modeling of protein sequence and biophysical properties (such as structural, functional, and spatial information, amino acid conservation, physicochemical variation, residue mobility, and thermodynamic stability) indicates that this missense variant is not expected to disrupt NDUFAF6 protein function with a negative predictive value of 80%. In summary, the available evidence is currently insufficient to determine the role of this variant in disease. Therefore, it has been classified as a Variant of Uncertain Significance.